The following is an entry in ClinVar:

ClinVar aggregate classification (germline): Uncertain significance. Review status: criteria provided, multiple submitters, no conflicts (2 of 4 stars). 3 submissions from 3 submitters: Uncertain significance (3). Last evaluated 2025-12-06.

Allele frequency attached by ClinVar (database versions not stated): gnomAD exomes 0.00001 and 0.00002; ExAC 0.00003; gnomAD 0.00007; TOPMed 0.00008; 1000 Genomes Project 30x 0.00016; 1000 Genomes Project 0.00020.
gnomAD v4.1: 21 of 1,612,980 alleles (0.0013%); highest among the groups gnomAD compares: African/African-American, 0.023%; no homozygotes.

Submissions (3):

Labcorp Genetics (formerly Invitae), Labcorp
Classification: Uncertain significance. Last evaluated: 2025-12-06. Review status: criteria provided, single submitter. Criteria: Invitae Variant Classification Sherloc (09022015). Collection method: clinical testing. Allele origin: germline.
Comment: This sequence change replaces threonine, which is neutral and polar, with serine, which is neutral and polar, at codon 688 of the ACO2 protein (p.Thr688Ser). This variant is present in population databases (rs549853349, gnomAD 0.02%). This variant has not been reported in the literature in individuals affected with ACO2-related conditions. ClinVar contains an entry for this variant (Variation ID: 426151). Invitae Evidence Modeling of protein sequence and biophysical properties (such as structural, functional, and spatial information, amino acid conservation, physicochemical variation, residue mobility, and thermodynamic stability) indicates that this missense variant is not expected to disrupt ACO2 protein function with a negative predictive value of 80%. In summary, the available evidence is currently insufficient to determine the role of this variant in disease. Therefore, it has been classified as a Variant of Uncertain Significance.

GeneDx
Classification: Uncertain significance. Last evaluated: 2021-11-24. Review status: criteria provided, single submitter. Criteria: GeneDx Variant Classification Process June 2021. Collection method: clinical testing. Allele origin: germline. Affected: yes.
Comment: Has not been previously published as pathogenic or benign to our knowledge

Blueprint Genetics
Classification: Uncertain significance. Last evaluated: 2021-11-23. Review status: criteria provided, single submitter. Criteria: ACMG Guidelines, 2015. Collection method: clinical testing. Allele origin: germline.

NM_001098.3(ACO2):c.2062A>T (p.Thr688Ser)

Genes: ACO2 (aconitase 2; plus strand), POLR3H (RNA polymerase III subunit H; minus strand). Cytogenetic location: 22q13.2.
Variant type: single nucleotide variant.
Coding change: c.2062A>T on transcript NM_001098.3 (MANE Select); coding-DNA position 2062, A replaced by T.
Protein change: p.Thr688Ser; replaces threonine 688 with serine.
Molecular consequence: missense variant. On other transcripts: 3 prime UTR variant (5).
Genome position (GRCh38, 1-based): chr22:41,527,396, A>T. VCF-style: chr22-41527396-A-T. GRCh37 (hg19) VCF-style: chr22-41923400-A-T.
Other names: c.*1887T>A (NM_001018050.4, NM_001018052.4, NM_001282884.2 and 2 more transcripts); short protein forms T688S.
Identifiers: ClinVar variation 426151 (VCV000426151.10), dbSNP rs549853349, ClinGen allele CA10257866.